The following is an entry in ClinVar:

ClinVar aggregate classification (germline): Likely benign. Review status: criteria provided, multiple submitters, no conflicts (2 of 4 stars). 3 submissions from 3 submitters: Likely benign (3). Last evaluated 2022-12-01.

Allele frequency attached by ClinVar (database versions not stated): 1000 Genomes Project 30x 0.00078; 1000 Genomes Project 0.00080; TOPMed 0.00265; gnomAD 0.00294 and 0.00300; ExAC 0.00314; gnomAD exomes 0.00328; ESP Exome Variant Server 0.00354.
gnomAD v4.1: 5,487 of 1,614,082 alleles (0.34%); highest among the groups gnomAD compares: Middle Eastern, 0.74%; 24 homozygotes.

Submissions (3):

CeGaT Center for Human Genetics Tuebingen
Classification: Likely benign. Last evaluated: 2022-12-01. Review status: criteria provided, single submitter. Criteria: CeGaT Center For Human Genetics Tuebingen Variant Classification Criteria Version 2. Collection method: clinical testing. Allele origin: germline. Affected: yes. Observed: 1 variant allele.
Comment: ABL2: BS2

Labcorp Genetics (formerly Invitae), Labcorp
Classification: Likely benign. Last evaluated: 2018-07-04. Review status: criteria provided, single submitter. Criteria: Invitae Variant Classification Sherloc (09022015). Collection method: clinical testing. Allele origin: germline.

Breakthrough Genomics
Classification: Likely benign. Review status: criteria provided, single submitter. Criteria: ACMG Guidelines, 2015. Collection method: not provided. Allele origin: germline. Inheritance: Unknown mechanism. Affected: yes.

NM_007314.4(ABL2):c.2350A>T (p.Thr784Ser)

Gene: ABL2 (ABL proto-oncogene 2, non-receptor tyrosine kinase; minus strand). Cytogenetic location: 1q25.2.
Variant type: single nucleotide variant.
Coding change: c.2350A>T on transcript NM_007314.4 (MANE Select); coding-DNA position 2350, A replaced by T.
Protein change: p.Thr784Ser; replaces threonine 784 with serine.
Molecular consequence: missense variant. On other transcripts: intron variant (4).
Genome position (GRCh38, 1-based): chr1:179,108,917, T>A on the plus strand (A>T on the coding strand, the complement: ABL2 is on the minus strand). VCF-style: chr1-179108917-T-A. GRCh37 (hg19) VCF-style: chr1-179078052-T-A.
Other names: c.2287A>T, p.Thr763Ser (NM_001168236.2); c.2305A>T, p.Thr769Ser (NM_005158.5); c.1997-19A>T (NM_001168238.2); c.2060-19A>T (NM_001168237.2); c.1952-19A>T (NM_001168239.2); c.2015-19A>T (NM_001136000.3); short protein forms T763S, T769S, T784S.
Identifiers: ClinVar variation 715839 (VCV000715839.28), dbSNP rs55892721, ClinGen allele CA1264634.